The following is an entry in ClinVar:

NM_021625.5(TRPV4):c.1858G>T (p.Val620Phe)

Gene: TRPV4 (transient receptor potential cation channel subfamily V member 4; minus strand). Cytogenetic location: 12q24.11.
Variant type: single nucleotide variant.
Coding change: c.1858G>T on transcript NM_021625.5 (MANE Select); coding-DNA position 1858, G replaced by T.
Protein change: p.Val620Phe; replaces valine 620 with phenylalanine.
Molecular consequence: missense variant.
Genome position (GRCh38, 1-based): chr12:109,792,396, C>A on the plus strand (G>T on the coding strand, the complement: TRPV4 is on the minus strand). VCF-style: chr12-109792396-C-A. GRCh37 (hg19) VCF-style: chr12-110230201-C-A.
Other names: c.1717G>T, p.Val573Phe (NM_001177428.2); c.1756G>T, p.Val586Phe (NM_001177431.2); c.1537G>T, p.Val513Phe (NM_001177433.2); c.1678G>T, p.Val560Phe (NM_147204.3); short protein forms V560F, V620F, V513F, V573F, V586F.
Identifiers: ClinVar variation 3679683 (VCV003679683.2).

ClinVar aggregate classification (germline): Uncertain significance (1 of 4 stars; one submission).

Conditions:
Charcot-Marie-Tooth disease axonal type 2C (HMSN2C). Also called: CHARCOT-MARIE-TOOTH DISEASE, AXONAL, AUTOSOMAL DOMINANT, TYPE 2C; Charcot-Marie-Tooth Neuropathy Type 2C; Charcot-Marie-Tooth Disease Type 2, TRPV4-Related (CMT2C). Identifiers: Orphanet 99937, MedGen C1853710, MONDO:0011633, OMIM 606071.

gnomAD v4.1: 1 of 1,613,774 alleles (0.000062%); highest among the groups gnomAD compares: African/African-American, 0.0013%; no homozygotes.

Submission:

Labcorp Genetics (formerly Invitae), Labcorp
Classification: Uncertain significance for Charcot-Marie-Tooth disease axonal type 2C. Last evaluated: 2024-06-17. Review status: criteria provided, single submitter. Criteria: Invitae Variant Classification Sherloc (09022015). Collection method: clinical testing. Allele origin: germline.
Comment: This sequence change replaces valine, which is neutral and non-polar, with phenylalanine, which is neutral and non-polar, at codon 620 of the TRPV4 protein (p.Val620Phe). This variant is present in population databases (no rsID available, gnomAD 0.01%). This variant has not been reported in the literature in individuals affected with TRPV4-related conditions. Advanced modeling of protein sequence and biophysical properties (such as structural, functional, and spatial information, amino acid conservation, physicochemical variation, residue mobility, and thermodynamic stability) has been performed at Invitae for this missense variant, however the output from this modeling did not meet the statistical confidence thresholds required to predict the impact of this variant on TRPV4 protein function. This variant disrupts the p.Val620 amino acid residue in TRPV4. Other variant(s) that disrupt this residue have been determined to be pathogenic (PMID: 2046044, 18587396, 20037588, 21573172). This suggests that this residue is clinically significant, and that variants that disrupt this residue are likely to be disease-causing. In summary, the available evidence is currently insufficient to determine the role of this variant in disease. Therefore, it has been classified as a Variant of Uncertain Significance.

Literature cited by the submitters: PubMed 2046044; PubMed 18587396; PubMed 20037588; PubMed 21573172.